The following is an entry in ClinVar:

NM_206933.4(USH2A):c.2377A>T (p.Lys793Ter)

Genes: USH2A (usherin; minus strand), LOC122152296 (Sharpr-MPRA regulatory region 8762; plus strand). Cytogenetic location: 1q41.
Variant type: single nucleotide variant.
Coding change: c.2377A>T on transcript NM_206933.4 (MANE Select); coding-DNA position 2377, A replaced by T.
Protein change: p.Lys793Ter; replaces lysine 793 with a stop codon.
Molecular consequence: nonsense.
Genome position (GRCh38, 1-based): chr1:216,247,017, T>A on the plus strand (A>T on the coding strand, the complement: USH2A is on the minus strand). VCF-style: chr1-216247017-T-A. GRCh37 (hg19) VCF-style: chr1-216420359-T-A.
Other names: c.2377A>T, p.Lys793Ter (NM_007123.6); short protein forms K793*.
Identifiers: ClinVar variation 1725603 (VCV001725603.2), dbSNP rs2528163140, ClinGen allele CA344864927.

ClinVar aggregate classification (germline): Likely pathogenic (1 of 4 stars; one submission).

Conditions:
Usher syndrome type 2A. Also called: RETINAL DISEASE IN USHER SYNDROME TYPE IIA, MODIFIER OF; USHER SYNDROME, TYPE IIA. Identifiers: Orphanet 231178, Orphanet 886, MedGen C1848634, MONDO:0010169, OMIM 276901.

Submission:

Myriad Genetics, Inc.
Classification: Likely pathogenic for Usher syndrome type 2A. Last evaluated: 2022-03-30. Review status: criteria provided, single submitter. Criteria: Myriad Women's Health Autosomal Recessive and X-Linked Classification Criteria (2021). Collection method: clinical testing. Allele origin: unknown.
Comment: NM_206933.2(USH2A):c.2377A>T(K793*) is expected to be pathogenic in the context of USH2A-related disorders. This variant is predicted to lead to an abnormal or absent protein product due to the creation of a premature termination codon in USH2A, a gene where loss-of-function variants are known to be pathogenic. Please note: this variant was assessed in the context of healthy population screening.